The following is an entry in ClinVar:

ClinVar aggregate classification (germline): Conflicting classifications of pathogenicity. Review status: criteria provided, conflicting classifications (1 of 4 stars). 18 submissions from 18 submitters: Uncertain significance (1); Benign (8); Likely benign (7). 2 of the submissions do not count toward it. Last evaluated 2026-02-03.

Conditions:
Immunodeficiency 120. Identifiers: MedGen C5935622, MONDO:0970994, OMIM 620836.
Mandibular hypoplasia-deafness-progeroid syndrome. Also called: Mandibular hypoplasia, deafness, progeroid features, and lipodystrophy syndrome. Identifiers: Orphanet 363649, MedGen C3715192, MONDO:0014157, OMIM 615381.
POLD1-related polyposis and colorectal cancer syndrome (CRCS10). Also called: Colorectal cancer 10; Colorectal cancer, susceptibility to, 10; COLORECTAL CANCER, SUSCEPTIBILITY TO, ON CHROMOSOME 19q. Identifiers: Orphanet 220460, MedGen C2675481, MONDO:0012953, OMIM 612591.
POLD1-related disorder. Also called: POLD1-related disorders; POLD1-related condition.
Hereditary cancer-predisposing syndrome. Also called: Neoplastic Syndromes, Hereditary; Hereditary Cancer Syndrome; Tumor predisposition; Hereditary neoplastic syndrome. Identifiers: Orphanet 140162, MedGen C0027672, MeSH D009386, MONDO:0015356.

Allele frequency attached by ClinVar (database versions not stated): gnomAD exomes 0.00069 and 0.00025; ExAC 0.00098; 1000 Genomes Project 0.00240; 1000 Genomes Project 30x 0.00250; gnomAD 0.00275 and 0.00295; TOPMed 0.00304; ESP Exome Variant Server 0.00308.
gnomAD v4.1: 799 of 1,612,604 alleles (0.05%); highest among the groups gnomAD compares: African/African-American, 0.95%; 2 homozygotes.

Submissions (18):

Labcorp Genetics (formerly Invitae), Labcorp
Classification: Benign for POLD1-related polyposis and colorectal cancer syndrome. Last evaluated: 2026-02-03. Review status: criteria provided, single submitter. Criteria: Invitae Variant Classification Sherloc (09022015). Collection method: clinical testing. Allele origin: germline.

Dasa
Classification: Likely benign. Last evaluated: 2025-11-30. Review status: criteria provided, single submitter. Criteria: DASA Assertion Criteria. Collection method: clinical testing. Allele origin: germline.
Comment: NM_002691.4(POLD1):c.778A>G (p.Ile260Val) is a missense variant that results in the substitution of isoleucine with valine. Multiple computational predictions suggest no deleterious effect on the gene or gene product. Based on the available data, this variant is classified as likely benign.

Center for Genomic Medicine, Rigshospitalet, Copenhagen University Hospital
Classification: Uncertain significance. Last evaluated: 2025-03-04. Review status: criteria provided, single submitter. Criteria: ACMG Guidelines, 2015. Collection method: clinical testing. Allele origin: germline.

Department of Pathology and Laboratory Medicine, Sinai Health System
Classification: Likely benign for POLD1-related polyposis and colorectal cancer syndrome; Mandibular hypoplasia-deafness-progeroid syndrome; Immunodeficiency 120. Last evaluated: 2024-11-04. Review status: criteria provided, single submitter. Criteria: ACMG Guidelines, 2015. Collection method: clinical testing. Allele origin: germline.

Blueprint Genetics
Classification: Likely benign. Last evaluated: 2024-07-30. Review status: criteria provided, single submitter. Criteria: ACMG Guidelines, 2015. Collection method: clinical testing. Allele origin: germline.

KCCC/NGS Laboratory, Kuwait Cancer Control Center
Classification: Benign for POLD1-related polyposis and colorectal cancer syndrome. Last evaluated: 2023-07-07. Review status: criteria provided, single submitter. Criteria: ACMG Guidelines, 2015. Collection method: clinical testing. Allele origin: germline. Affected: yes.

CeGaT Center for Human Genetics Tuebingen
Classification: Benign. Last evaluated: 2022-04-01. Review status: criteria provided, single submitter. Criteria: CeGaT Center For Human Genetics Tuebingen Variant Classification Criteria Version 2. Collection method: clinical testing. Allele origin: germline. Affected: yes. Observed: 1 variant allele.
Comment: POLD1: BS1, BS2

Women's Health and Genetics/Laboratory Corporation of America, LabCorp
Classification: Likely benign. Last evaluated: 2022-03-04. Review status: criteria provided, single submitter. Criteria: LabCorp Variant Classification Summary - May 2015. Collection method: clinical testing. Allele origin: germline.

Fulgent Genetics
Classification: Likely benign for POLD1-related polyposis and colorectal cancer syndrome; Mandibular hypoplasia-deafness-progeroid syndrome. Last evaluated: 2021-08-10. Review status: criteria provided, single submitter. Criteria: ACMG Guidelines, 2015. Collection method: clinical testing. Allele origin: unknown.

ARUP Laboratories, Molecular Genetics and Genomics, ARUP Laboratories
Classification: Benign. Last evaluated: 2021-05-22. Review status: criteria provided, single submitter. Criteria: ARUP Molecular Germline Variant Investigation Process 2021. Collection method: clinical testing. Allele origin: germline.

GeneDx
Classification: Likely benign. Last evaluated: 2021-03-12. Review status: criteria provided, single submitter. Criteria: GeneDx Variant Classification Process June 2021. Collection method: clinical testing. Allele origin: germline. Affected: yes.

Sema4
Classification: Benign for Hereditary cancer-predisposing syndrome. Last evaluated: 2020-03-01. Review status: criteria provided, single submitter. Criteria: Sema4 Curation Guidelines. Collection method: curation. Allele origin: germline.

Genetic Services Laboratory, University of Chicago
Classification: Benign. Last evaluated: 2019-01-18. Review status: criteria provided, single submitter. Criteria: ACMG Guidelines, 2015. Collection method: clinical testing. Allele origin: germline. Affected: no.

Quest Diagnostics Nichols Institute San Juan Capistrano
Classification: Benign. Last evaluated: 2017-11-14. Review status: criteria provided, single submitter. Criteria: Quest Diagnostics criteria. Collection method: clinical testing. Allele origin: unknown.

Ambry Genetics
Classification: Benign for Hereditary cancer-predisposing syndrome. Last evaluated: 2015-06-05. Review status: criteria provided, single submitter. Criteria: Ambry Variant Classification Scheme 2023. Collection method: clinical testing. Allele origin: germline.

Breakthrough Genomics
Classification: Likely benign. Review status: criteria provided, single submitter. Criteria: ACMG Guidelines, 2015. Collection method: not provided. Allele origin: germline. Inheritance: Autosomal dominant inheritance. Affected: yes.

PreventionGenetics, part of Exact Sciences
Classification: Benign for POLD1-related condition. Last evaluated: 2019-03-01. Review status: no assertion criteria provided. Collection method: clinical testing. Allele origin: germline. Not counted in ClinVar's aggregate classification.
Comment: This variant is classified as benign based on ACMG/AMP sequence variant interpretation guidelines (Richards et al. 2015 PMID: 25741868, with internal and published modifications).

True Health Diagnostics
Classification: Likely benign for Hereditary cancer-predisposing syndrome. Last evaluated: 2017-10-10. Review status: no assertion criteria provided. Collection method: clinical testing. Allele origin: germline. Not counted in ClinVar's aggregate classification.

NM_002691.4(POLD1):c.778A>G (p.Ile260Val)

Gene: POLD1 (DNA polymerase delta 1, catalytic subunit; plus strand). Cytogenetic location: 19q13.33.
Variant type: single nucleotide variant.
Coding change: c.778A>G on transcript NM_002691.4 (MANE Select); coding-DNA position 778, A replaced by G.
Protein change: p.Ile260Val; replaces isoleucine 260 with valine.
Molecular consequence: missense variant. On other transcripts: non-coding transcript variant (1).
Genome position (GRCh38, 1-based): chr19:50,402,473, A>G. VCF-style: chr19-50402473-A-G. GRCh37 (hg19) VCF-style: chr19-50905730-A-G.
Other names: c.778A>G, p.Ile260Val (NM_001256849.1, NM_001308632.1); short protein forms I260V.
Identifiers: ClinVar variation 221152 (VCV000221152.61), dbSNP rs8105725, ClinGen allele CA349220.
Genomic context (GRCh38, chr19:50,402,473, plus strand): 5'-CCTCGGGCAGCCCCTGTCCACTGACCCCCAGCCCCCTCCAGGTTCATGGTGGACACGGAC[A>G]TCGTCGGCTGCAACTGGCTGGAGCTCCCAGCTGGGAAATACGCCCTGAGGCTGAAGGAGA-3'
Protein context (NP_002682.2, residues 250-270): FEIRFMVDTD[Ile260Val]VGCNWLELPA